The following is an entry in ClinVar:

ClinVar aggregate classification (germline): Benign (1 of 4 stars; one submission).

Allele frequency attached by ClinVar (database versions not stated): gnomAD 0.01739 and 0.01877; TOPMed 0.01997; 1000 Genomes Project 0.02017; 1000 Genomes Project 30x 0.02186.
gnomAD v4.1: 2,619 of 152,090 alleles (1.7%); highest among the groups gnomAD compares: African/African-American, 5.8%; 57 homozygotes.

Submission:

GeneDx
Classification: Benign. Last evaluated: 2018-06-19. Review status: criteria provided, single submitter. Criteria: GeneDx Variant Classification (06012015). Collection method: clinical testing. Allele origin: germline. Affected: yes.
Comment: This variant is considered likely benign or benign based on one or more of the following criteria: it is a conservative change, it occurs at a poorly conserved position in the protein, it is predicted to be benign by multiple in silico algorithms, and/or has population frequency not consistent with disease.

NM_001105206.3(LAMA4):c.3835-258C>T

Gene: LAMA4 (laminin subunit alpha 4; minus strand). Cytogenetic location: 6q21.
Variant type: single nucleotide variant.
Coding change: c.3835-258C>T on transcript NM_001105206.3 (MANE Select); 258 bases into the intron before coding-DNA position 3835, C replaced by T.
Molecular consequence: intron variant.
Genome position (GRCh38, 1-based): chr6:112,131,359, G>A on the plus strand (C>T on the coding strand, the complement: LAMA4 is on the minus strand). VCF-style: chr6-112131359-G-A. GRCh37 (hg19) VCF-style: chr6-112452561-G-A.
Other names: c.3814-258C>T (NM_002290.5, NM_001105207.3).
Identifiers: ClinVar variation 683591 (VCV000683591.1), dbSNP rs116454252, ClinGen allele CA144887340.